The following is an entry in ClinVar:

ClinVar aggregate classification (germline): Pathogenic. Review status: criteria provided, multiple submitters, no conflicts (2 of 4 stars). 4 submissions from 4 submitters: Pathogenic (3). 1 of the submissions does not count toward it. Last evaluated 2024-05-23.

Conditions:
CHM-related disorder. Also called: CHM-related condition.
CHM-related disorders.

Submissions (4):

Labcorp Genetics (formerly Invitae), Labcorp
Classification: Pathogenic. Last evaluated: 2024-05-23. Review status: criteria provided, single submitter. Criteria: Invitae Variant Classification Sherloc (09022015). Collection method: clinical testing. Allele origin: germline.
Comment: This sequence change creates a premature translational stop signal (p.Gly44*) in the CHM gene. It is expected to result in an absent or disrupted protein product. Loss-of-function variants in CHM are known to be pathogenic (PMID: 9067750, 23811034). This variant is not present in population databases (gnomAD no frequency). This premature translational stop signal has been observed in individual(s) with choroideremia (PMID: 12203991, 30297895). This variant is also known as c.160G>T. ClinVar contains an entry for this variant (Variation ID: 279771). For these reasons, this variant has been classified as Pathogenic.

Blueprint Genetics
Classification: Pathogenic for CHM-related disorders. Last evaluated: 2024-04-19. Review status: criteria provided, single submitter. Criteria: ACMG Guidelines, 2015. Collection method: clinical testing. Allele origin: germline. Affected: yes. Observed: 5 variant alleles.

GeneDx
Classification: Pathogenic. Last evaluated: 2016-08-17. Review status: criteria provided, single submitter. Criteria: GeneDx Variant Classification (06012015). Collection method: clinical testing. Allele origin: germline. Affected: yes.
Comment: The G44X nonsense variant, also reported as c.160 G>T using alternative nomenclature, in the CHM gene has been reported previously in association with choroideremia and was shown to result in complete lack of CHM protein expression in leukocytes (Zhang et al., 2015; McTaggart et al., 2002). This pathogenic variant is predicted to cause loss of normal protein function either through protein truncation or nonsense-mediated mRNA decay. Additionally the G44X variant was not observed in approximately 6,500 individuals of European and African American ancestry in the NHLBI ExomeSequencing Project, indicating it is not a common benign variant in these populations. Therefore, the G44X variant is interpreted as pathogenic.

PreventionGenetics, part of Exact Sciences
Classification: Pathogenic for CHM-related condition. Last evaluated: 2023-12-12. Review status: no assertion criteria provided. Collection method: clinical testing. Allele origin: germline. Not counted in ClinVar's aggregate classification.
Comment: The CHM c.130G>T variant is predicted to result in premature protein termination (p.Gly44*). This variant has been reported in individuals with choroideremia (McTaggart et al. 2002. PubMed ID: 12203991; Table S1 in Xue et al. 2018. PubMed ID: 30297895; Table S4 in Panneman et al. 2023. PubMed ID: 36819107). This variant has not been reported in a large population database, indicating this variant is rare. Nonsense variants in CHM are expected to be pathogenic. Given the evidence, we interpret this variant as pathogenic.

Literature cited by the submitters: PubMed 9067750 (cited by Labcorp Genetics (formerly Invitae), Labcorp); PubMed 23811034 (cited by Labcorp Genetics (formerly Invitae), Labcorp); PubMed 12203991 (cited by Labcorp Genetics (formerly Invitae), Labcorp); PubMed 30297895 (cited by Labcorp Genetics (formerly Invitae), Labcorp).

NM_000390.4(CHM):c.130G>T (p.Gly44Ter)

Gene: CHM (CHM Rab escort protein; minus strand). Cytogenetic location: Xq21.2.
Variant type: single nucleotide variant.
Coding change: c.130G>T on transcript NM_000390.4 (MANE Select); coding-DNA position 130, G replaced by T.
Protein change: p.Gly44Ter; replaces glycine 44 with a stop codon.
Molecular consequence: nonsense. On other transcripts: 5 prime UTR variant (4).
Genome position (GRCh38, 1-based): chrX:85,981,796, C>A on the plus strand (G>T on the coding strand, the complement: CHM is on the minus strand). VCF-style: chrX-85981796-C-A. GRCh37 (hg19) VCF-style: chrX-85236800-C-A.
Other names: c.130G>T (LRG_699t1, NM_000390.3); c.130G>T, p.Gly44Ter (NM_001145414.4); c.-315G>T (NM_001320959.1, NM_001362517.1); c.-311G>T (NM_001362518.2, NM_001362519.1); short protein forms G44*.
Identifiers: ClinVar variation 279771 (VCV000279771.8), dbSNP rs886041175, ClinGen allele CA10603742.